The following is an entry in ClinVar:

ClinVar aggregate classification (germline): Uncertain significance (0 of 4 stars; one submission).

Conditions:
FGFR1-related disorder. Also called: FGFR1-related condition; FGFR1-related disorders. Identifiers: MedGen CN380097.

Submission:

PreventionGenetics, part of Exact Sciences
Classification: Uncertain significance for FGFR1-related condition. Last evaluated: 2024-06-27. Review status: no assertion criteria provided. Collection method: clinical testing. Allele origin: germline.
Comment: The FGFR1 c.2078G>A variant is predicted to result in the amino acid substitution p.Arg693Lys. In the primary transcript listed in the Human Gene Mutation Database (NM_023110.3), this variant is post-coding (c.*1091G>A). To our knowledge, this variant has not been reported in the literature or in a large population database, indicating this variant is rare. At this time, the clinical significance of this variant is uncertain due to the absence of conclusive functional and genetic evidence.

NM_023110.3(FGFR1):c.*1091G>A

Genes: FGFR1 (fibroblast growth factor receptor 1; minus strand), LOC102723716 (uncharacterized LOC102723716; minus strand). Cytogenetic location: 8p11.23.
Variant type: single nucleotide variant.
Coding change: c.*1091G>A on transcript NM_023110.3 (MANE Select); 1091 bases downstream of the stop codon, G replaced by A.
Molecular consequence: 3 prime UTR variant. On other transcripts: non-coding transcript variant (1), missense variant (3).
Genome position (GRCh38, 1-based): chr8:38,412,537, C>T on the plus strand (G>A on the coding strand, the complement: FGFR1 is on the minus strand). VCF-style: chr8-38412537-C-T. GRCh37 (hg19) VCF-style: chr8-38270055-C-T.
Other names: c.*1091G>A (NM_001174063.2, NM_001174064.2, NM_001174065.2 and 7 more transcripts); c.2345G>A, p.Arg782Lys (NM_001354367.2); c.2339G>A, p.Arg780Lys (NM_001354369.2); c.2078G>A, p.Arg693Lys (NM_001354370.2); short protein forms R693K, R780K, R782K.
Identifiers: ClinVar variation 3355144 (VCV003355144.1).